The following is an entry in ClinVar:

NM_001278716.2(FBXL4):c.714T>G (p.Thr238=)

Gene: FBXL4 (F-box and leucine rich repeat protein 4; minus strand). Cytogenetic location: 6q16.2.
Variant type: single nucleotide variant.
Coding change: c.714T>G on transcript NM_001278716.2 (MANE Select); coding-DNA position 714, T replaced by G.
Protein change: p.Thr238=; no amino-acid change (threonine 238 retained).
Molecular consequence: synonymous variant.
Genome position (GRCh38, 1-based): chr6:98,917,518, A>C on the plus strand (T>G on the coding strand, the complement: FBXL4 is on the minus strand). VCF-style: chr6-98917518-A-C. GRCh37 (hg19) VCF-style: chr6-99365394-A-C.
Other names: p.Thr238=; c.714T>G, p.Thr238= (NM_012160.5).
Identifiers: ClinVar variation 437618 (VCV000437618.9), dbSNP rs776419278, ClinGen allele CA3933634.

ClinVar aggregate classification (germline): Conflicting classifications of pathogenicity. Review status: criteria provided, conflicting classifications (1 of 4 stars). 3 submissions from 3 submitters: Uncertain significance (1); Likely benign (2). Last evaluated 2026-01-13.

Conditions:
Mitochondrial DNA depletion syndrome 13. Also called: FBXL4-Related Encephalomyopathic Mitochondrial DNA Depletion Syndrome; Mitochondrial DNA depletion syndrome 13 (encephalomyopathic type). Identifiers: Orphanet 369897, MedGen C3809592, MONDO:0014198, OMIM 615471.

Allele frequency attached by ClinVar (database versions not stated): gnomAD exomes 0.00002; ExAC 0.00003; gnomAD 0.00003; TOPMed 0.00003.
gnomAD v4.1: 35 of 1,613,962 alleles (0.0022%); highest among the groups gnomAD compares: Non-Finnish European, 0.0029%; no homozygotes.

Submissions (3):

Labcorp Genetics (formerly Invitae), Labcorp
Classification: Likely benign. Last evaluated: 2026-01-13. Review status: criteria provided, single submitter. Criteria: Invitae Variant Classification Sherloc (09022015). Collection method: clinical testing. Allele origin: germline.

Mayo Clinic Laboratories, Mayo Clinic
Classification: Likely benign. Last evaluated: 2025-10-20. Review status: criteria provided, single submitter. Criteria: ACMG Guidelines, 2015. Collection method: clinical testing. Allele origin: germline. Observed: 1 variant allele.
Comment: BP4, BP7

Wong Mito Lab, Molecular and Human Genetics, Baylor College of Medicine
Classification: Uncertain significance for Mitochondrial DNA depletion syndrome 13. Last evaluated: 2017-08-10. Review status: criteria provided, single submitter. Criteria: ACMG Guidelines, 2015. Collection method: reference population. Allele origin: germline.
Comment: The NM_012160.4:c.714T>G (NP_036292.2:p.Thr238=) [GRCH38: NC_000006.12:g.98917518A>C] variant in FBXL4 gene is interpretated to be a Uncertain Significance - Conflicting Evidence based on ACMG guidelines (PMID: 25741868). This variant meets one or more of the following evidence codes reported in the ACMG-guideline. PM2:This variant is absent in key population databases. BP4:Computational evidence/predictors indicate no impact on the FBXL4 structure, function, or protein-protein interaction. BP7:The variant is silent with non predicted splice impact. Based on this evidence code ClinGen Pathogenicity Calculator (PMID:28081714) suggested that the variant is Uncertain Significance - Conflicting Evidence.